The following is an entry in ClinVar:

NM_001042492.3(NF1):c.2318A>G (p.Asn773Ser)

Gene: NF1 (neurofibromin 1; plus strand). Cytogenetic location: 17q11.2.
Variant type: single nucleotide variant.
Coding change: c.2318A>G on transcript NM_001042492.3 (MANE Select); coding-DNA position 2318, A replaced by G.
Protein change: p.Asn773Ser; replaces asparagine 773 with serine.
Molecular consequence: missense variant.
Genome position (GRCh38, 1-based): chr17:31,227,284, A>G. VCF-style: chr17-31227284-A-G. GRCh37 (hg19) VCF-style: chr17-29554302-A-G.
Other names: c.2318A>G, p.Asn773Ser (NM_000267.4); short protein forms N773S.
Identifiers: ClinVar variation 4860990 (VCV004860990.1).

ClinVar aggregate classification (germline): Uncertain significance (1 of 4 stars; one submission).

Conditions:
Cardiovascular phenotype. Identifiers: MedGen CN230736.
Hereditary cancer-predisposing syndrome. Also called: Neoplastic Syndromes, Hereditary; Tumor predisposition; Hereditary Cancer Syndrome; Hereditary neoplastic syndrome. Identifiers: Orphanet 140162, MedGen C0027672, MeSH D009386, MONDO:0015356.

Submission:

Ambry Genetics
Classification: Uncertain significance for Cardiovascular phenotype; Hereditary cancer-predisposing syndrome. Last evaluated: 2026-06-09. Review status: criteria provided, single submitter. Criteria: Ambry Variant Classification Scheme 2023. Collection method: clinical testing. Allele origin: germline.
Comment: The p.N773S variant (also known as c.2318A>G), located in coding exon 19 of the NF1 gene, results from an A to G substitution at nucleotide position 2318. The asparagine at codon 773 is replaced by serine, an amino acid with highly similar properties. This amino acid position is highly conserved in available vertebrate species. In addition, this alteration is predicted to be tolerated by in silico analysis. Based on the available evidence, the clinical significance of this variant remains unclear.